The following is an entry in ClinVar:

NM_033109.5(PNPT1):c.1795T>A (p.Ser599Thr)

Gene: PNPT1 (polyribonucleotide nucleotidyltransferase 1; minus strand). Cytogenetic location: 2p16.1.
Variant type: single nucleotide variant.
Coding change: c.1795T>A on transcript NM_033109.5 (MANE Select); coding-DNA position 1795, T replaced by A.
Protein change: p.Ser599Thr; replaces serine 599 with threonine.
Molecular consequence: missense variant.
Genome position (GRCh38, 1-based): chr2:55,645,376, A>T on the plus strand (T>A on the coding strand, the complement: PNPT1 is on the minus strand). VCF-style: chr2-55645376-A-T. GRCh37 (hg19) VCF-style: chr2-55872511-A-T.
Other names: c.1795T>A (NM_033109.3); short protein forms S599T.
Identifiers: ClinVar variation 1338885 (VCV001338885.15), dbSNP rs147375807, ClinGen allele CA1667937.
Genomic context (GRCh38, chr2:55,645,376, plus strand): 5'-GCCCAGCCGATCACTAAAATTTTAATGTATTACCTACAACAGGTCCATTTTCTTTTCTAG[A>T]TGCTCGAGGTTTTGAAATAGTTTTGTTCATGATCTGTAATATCTCCTTTTTTGCCACTAG-3'
Protein context (NP_149100.2, residues 589-609): MNKTISKPRA[Ser599Thr]RKENGPVVET

ClinVar aggregate classification (germline): Conflicting classifications of pathogenicity. Review status: criteria provided, conflicting classifications (1 of 4 stars). 5 submissions from 5 submitters: Uncertain significance (4); Likely benign (1). Last evaluated 2026-02-25.

Conditions:
PNPT1-related disorder. Also called: PNPT1-related condition; PNPT1-related disorders.
Inborn genetic diseases. Identifiers: MedGen C0950123, MeSH D030342.

Allele frequency attached by ClinVar (database versions not stated): gnomAD exomes 0.00005 and 0.00009; ExAC 0.00007; TOPMed 0.00023; gnomAD 0.00025 and 0.00026; ESP Exome Variant Server 0.00038.
gnomAD v4.1: 108 of 1,612,324 alleles (0.0067%); highest among the groups gnomAD compares: African/African-American, 0.092%; no homozygotes.

Submissions (5):

Women's Health and Genetics/Laboratory Corporation of America, LabCorp
Classification: Uncertain significance. Last evaluated: 2026-02-25. Review status: criteria provided, single submitter. Criteria: LabCorp Variant Classification Summary - May 2015. Collection method: clinical testing. Allele origin: germline.
Comment: Variant summary: PNPT1 c.1795T>A (p.Ser599Thr) results in a conservative amino acid change in the encoded protein sequence. Algorithms developed to predict the effect of missense changes on protein structure and function are either unavailable or do not agree on the potential impact of this missense change. The variant allele was found at a frequency of 9.2e-05 in 251212 control chromosomes. This frequency is not significantly higher than estimated for disease-causing variants in PNPT1, allowing no conclusion about variant significance. To our knowledge, no occurrence of c.1795T>A in individuals affected with PNPT1-related conditions and no experimental evidence demonstrating its impact on protein function have been reported. ClinVar contains an entry for this variant (Variation ID: 1338885). Based on the evidence outlined above, the variant was classified as uncertain significance.

Labcorp Genetics (formerly Invitae), Labcorp
Classification: Likely benign. Last evaluated: 2025-12-31. Review status: criteria provided, single submitter. Criteria: Invitae Variant Classification Sherloc (09022015). Collection method: clinical testing. Allele origin: germline.

PreventionGenetics, part of Exact Sciences
Classification: Uncertain significance for PNPT1-related condition. Last evaluated: 2025-10-15. Review status: criteria provided, single submitter. Criteria: ACMG Guidelines, 2015. Collection method: clinical testing. Allele origin: germline.
Comment: The PNPT1 c.1795T>A variant is predicted to result in the amino acid substitution p.Ser599Thr. To our knowledge, this variant has not been reported in the literature. This variant is reported in 0.096% of alleles in individuals of African descent in gnomAD. Although we suspect that this variant may be benign, at this time, the clinical significance of this variant is uncertain due to the absence of conclusive functional and genetic evidence.

GeneDx
Classification: Uncertain significance. Last evaluated: 2025-07-14. Review status: criteria provided, single submitter. Criteria: GeneDx Variant Classification Process June 2021. Collection method: clinical testing. Allele origin: germline. Affected: yes.
Comment: In silico analysis suggests that this missense variant does not alter protein structure/function; Has not been previously published as pathogenic or benign to our knowledge

Ambry Genetics
Classification: Uncertain significance for Inborn genetic diseases. Last evaluated: 2024-06-17. Review status: criteria provided, single submitter. Criteria: Ambry Variant Classification Scheme 2023. Collection method: clinical testing. Allele origin: germline.